The following is an entry in ClinVar:

NM_000329.3(RPE65):c.851C>T (p.Thr284Ile)

Gene: RPE65 (retinoid isomerohydrolase RPE65; minus strand). Cytogenetic location: 1p31.3.
Variant type: single nucleotide variant.
Coding change: c.851C>T on transcript NM_000329.3 (MANE Select); coding-DNA position 851, C replaced by T.
Protein change: p.Thr284Ile; replaces threonine 284 with isoleucine.
Molecular consequence: missense variant.
Genome position (GRCh38, 1-based): chr1:68,439,198, G>A on the plus strand (C>T on the coding strand, the complement: RPE65 is on the minus strand). VCF-style: chr1-68439198-G-A. GRCh37 (hg19) VCF-style: chr1-68904881-G-A.
Other names: c.743C>T, p.Thr248Ile (NM_001406853.1); c.575C>T, p.Thr192Ile (NM_001406856.1, NM_001406857.1); c.851C>T, p.Thr284Ile (NM_001406859.1); c.851C>T (NM_000329.2); short protein forms T284I, T248I, T192I.
Identifiers: ClinVar variation 2166973 (VCV002166973.2), dbSNP rs762063627, ClinGen allele CA902382.

ClinVar aggregate classification (germline): Uncertain significance. Review status: criteria provided, multiple submitters, no conflicts (2 of 4 stars). 2 submissions from 2 submitters: Uncertain significance (2). Last evaluated 2024-02-26.

Conditions:
Inborn genetic diseases. Identifiers: MedGen C0950123, MeSH D030342.
Leber congenital amaurosis 2 (LCA2). Also called: AMAUROSIS CONGENITA OF LEBER II; Autosomal Recessive RPE65-Related Retinal Degeneration. Identifiers: Orphanet 65, MedGen C1859844, MONDO:0008765, OMIM 204100. Disease mechanism: loss of function.
Retinitis pigmentosa 20 (RP20). Identifiers: Orphanet 791, MedGen C3151086, MONDO:0013425, OMIM 613794.

Allele frequency attached by ClinVar (database versions not stated): gnomAD exomes below 0.00001; ExAC 0.00002.
gnomAD v4.1: 5 of 1,614,034 alleles (0.00031%); highest among the groups gnomAD compares: Admixed American, 0.0033%; no homozygotes.

Submissions (2):

Ambry Genetics
Classification: Uncertain significance for Inborn genetic diseases. Last evaluated: 2024-02-26. Review status: criteria provided, single submitter. Criteria: Ambry Variant Classification Scheme 2023. Collection method: clinical testing. Allele origin: germline.

Labcorp Genetics (formerly Invitae), Labcorp
Classification: Uncertain significance for Leber congenital amaurosis 2; Retinitis pigmentosa 20. Last evaluated: 2022-09-07. Review status: criteria provided, single submitter. Criteria: Invitae Variant Classification Sherloc (09022015). Collection method: clinical testing. Allele origin: germline.
Comment: This sequence change replaces threonine, which is neutral and polar, with isoleucine, which is neutral and non-polar, at codon 284 of the RPE65 protein (p.Thr284Ile). This variant is present in population databases (rs762063627, gnomAD 0.006%). This variant has not been reported in the literature in individuals affected with RPE65-related conditions. Algorithms developed to predict the effect of missense changes on protein structure and function (SIFT, PolyPhen-2, Align-GVGD) all suggest that this variant is likely to be tolerated. In summary, the available evidence is currently insufficient to determine the role of this variant in disease. Therefore, it has been classified as a Variant of Uncertain Significance.